The following is an entry in ClinVar:

ClinVar aggregate classification (germline): Conflicting classifications of pathogenicity. Review status: criteria provided, conflicting classifications (1 of 4 stars). 2 submissions from 2 submitters: Uncertain significance (1); Likely benign (1). Last evaluated 2022-08-15.

Submissions (2):

Labcorp Genetics (formerly Invitae), Labcorp
Classification: Likely benign. Last evaluated: 2022-08-15. Review status: criteria provided, single submitter. Criteria: Invitae Variant Classification Sherloc (09022015). Collection method: clinical testing. Allele origin: germline.

GeneDx
Classification: Uncertain significance. Last evaluated: 2022-01-21. Review status: criteria provided, single submitter. Criteria: GeneDx Variant Classification Process June 2021. Collection method: clinical testing. Allele origin: germline. Affected: yes.
Comment: Not observed at significant frequency in large population cohorts (gnomAD); In silico analysis supports that this missense variant does not alter protein structure/function; Has not been previously published as pathogenic or benign to our knowledge

NM_001375524.1(TRRAP):c.3196T>C (p.Tyr1066His)

Gene: TRRAP (transformation/transcription domain associated protein; plus strand). Cytogenetic location: 7q22.1.
Variant type: single nucleotide variant.
Coding change: c.3196T>C on transcript NM_001375524.1 (MANE Select); coding-DNA position 3196, T replaced by C.
Protein change: p.Tyr1066His; replaces tyrosine 1066 with histidine.
Molecular consequence: missense variant.
Genome position (GRCh38, 1-based): chr7:98,930,009, T>C. VCF-style: chr7-98930009-T-C. GRCh37 (hg19) VCF-style: chr7-98527632-T-C.
Other names: c.3196T>C, p.Tyr1066His (NM_001244580.2, NM_003496.4); short protein forms Y1066H.
Identifiers: ClinVar variation 1698161 (VCV001698161.7), dbSNP rs2116509058, ClinGen allele CA368298756.